The following is an entry in ClinVar:

ClinVar aggregate classification (germline): Likely benign. Review status: criteria provided, multiple submitters, no conflicts (2 of 4 stars). 5 submissions from 5 submitters: Likely benign (3). 2 of the submissions do not count toward it. Last evaluated 2025-11-24.

Conditions:
CDHR1-related disorder. Also called: CDHR1-related condition.

Allele frequency attached by ClinVar (database versions not stated): gnomAD 0.00007 and 0.00008; ESP Exome Variant Server 0.00008; TOPMed 0.00015; 1000 Genomes Project 30x 0.00016; gnomAD exomes 0.00017; 1000 Genomes Project 0.00020; ExAC 0.00021.
gnomAD v4.1: 382 of 1,614,264 alleles (0.024%); highest among the groups gnomAD compares: Middle Eastern, 0.033%; no homozygotes.

Submissions (5):

Labcorp Genetics (formerly Invitae), Labcorp
Classification: Likely benign. Last evaluated: 2025-11-24. Review status: criteria provided, single submitter. Criteria: Invitae Variant Classification Sherloc (09022015). Collection method: clinical testing. Allele origin: germline.

PreventionGenetics, part of Exact Sciences
Classification: Likely benign for CDHR1-related condition. Last evaluated: 2025-08-30. Review status: criteria provided, single submitter. Criteria: ACMG Guidelines, 2015. Collection method: clinical testing. Allele origin: germline.
Comment: This variant is classified as likely benign based on ACMG/AMP sequence variant interpretation guidelines (Richards et al. 2015 PMID: 25741868, with internal and published modifications).

Blueprint Genetics
Classification: Likely benign. Last evaluated: 2024-11-04. Review status: criteria provided, single submitter. Criteria: ACMG Guidelines, 2015. Collection method: clinical testing. Allele origin: germline.

Clinical Genetics DNA and cytogenetics Diagnostics Lab, Erasmus MC, Erasmus Medical Center
Classification: Likely benign. Review status: no assertion criteria provided. Collection method: clinical testing. Allele origin: germline. Affected: yes. Study: VKGL Data-share Consensus. Not counted in ClinVar's aggregate classification.

Clinical Genetics, Academic Medical Center
Classification: Likely benign. Review status: no assertion criteria provided. Collection method: clinical testing. Allele origin: germline. Affected: yes. Study: VKGL Data-share Consensus. Not counted in ClinVar's aggregate classification.

NM_033100.4(CDHR1):c.1431C>T (p.Tyr477=)

Gene: CDHR1 (cadherin related family member 1; plus strand). Cytogenetic location: 10q23.1.
Variant type: single nucleotide variant.
Coding change: c.1431C>T on transcript NM_033100.4 (MANE Select); coding-DNA position 1431, C replaced by T.
Protein change: p.Tyr477=; no amino-acid change (tyrosine 477 retained).
Molecular consequence: synonymous variant.
Genome position (GRCh38, 1-based): chr10:84,211,111, C>T. VCF-style: chr10-84211111-C-T. GRCh37 (hg19) VCF-style: chr10-85970867-C-T.
Other names: c.1431C>T, p.Tyr477= (NM_001171971.3).
Identifiers: ClinVar variation 762984 (VCV000762984.16), dbSNP rs147972961, ClinGen allele CA5579934.